The following is an entry in ClinVar:

ClinVar aggregate classification (germline): Likely benign. Review status: criteria provided, multiple submitters, no conflicts (2 of 4 stars). 2 submissions from 2 submitters: Likely benign (2). Last evaluated 2025-10-15.

Allele frequency attached by ClinVar (database versions not stated): ESP Exome Variant Server 0.00008; gnomAD exomes 0.00008 and 0.00018; gnomAD 0.00012 and 0.00013; TOPMed 0.00013; ExAC 0.00018.
gnomAD v4.1: 133 of 1,612,230 alleles (0.0082%); highest among the groups gnomAD compares: East Asian, 0.13%; no homozygotes.

Submissions (2):

Labcorp Genetics (formerly Invitae), Labcorp
Classification: Likely benign. Last evaluated: 2025-10-15. Review status: criteria provided, single submitter. Criteria: Invitae Variant Classification Sherloc (09022015). Collection method: clinical testing. Allele origin: germline.

CeGaT Center for Human Genetics Tuebingen
Classification: Likely benign. Last evaluated: 2025-01-01. Review status: criteria provided, single submitter. Criteria: CeGaT Center For Human Genetics Tuebingen Variant Classification Criteria Version 2. Collection method: clinical testing. Allele origin: germline. Affected: yes. Observed: 1 variant allele.
Comment: SPEG: BP4, BP7

NM_005876.5(SPEG):c.7953C>T (p.His2651=)

Genes: ASIC4-AS1 (ASIC4 antisense RNA 1; minus strand), SPEG (striated muscle enriched protein kinase; plus strand). Cytogenetic location: 2q35.
Variant type: single nucleotide variant.
Coding change: c.7953C>T on transcript NM_005876.5 (MANE Select); coding-DNA position 7953, C replaced by T.
Protein change: p.His2651=; no amino-acid change (histidine 2651 retained).
Molecular consequence: synonymous variant.
Genome position (GRCh38, 1-based): chr2:219,488,592, C>T. VCF-style: chr2-219488592-C-T. GRCh37 (hg19) VCF-style: chr2-220353314-C-T.
Identifiers: ClinVar variation 723664 (VCV000723664.22), dbSNP rs374942645, ClinGen allele CA2127340.
Genomic context (GRCh38, chr2:219,488,592, plus strand): 5'-CATCGTGTCCTGCAAAGATGGGCGGCAGCTGCTCAGCATCCCCCGGGCGGGCAAGCGGCA[C>T]GCCGGTCTCTATGAGTGCTCGGCCACCAACGTACTGGGCAGCATCACCAGCTCCTGTACC-3'
Protein context (NP_005867.3, residues 2641-2661): LLSIPRAGKR[His2651=]AGLYECSATN